The following is an entry in ClinVar:

NM_001128148.3(TFRC):c.1136A>G (p.Asn379Ser)

Gene: TFRC (transferrin receptor; minus strand). Cytogenetic location: 3q29.
Variant type: single nucleotide variant.
Coding change: c.1136A>G on transcript NM_001128148.3 (MANE Select); coding-DNA position 1136, A replaced by G.
Protein change: p.Asn379Ser; replaces asparagine 379 with serine.
Molecular consequence: missense variant.
Genome position (GRCh38, 1-based): chr3:196,065,505, T>C on the plus strand (A>G on the coding strand, the complement: TFRC is on the minus strand). VCF-style: chr3-196065505-T-C. GRCh37 (hg19) VCF-style: chr3-195792376-T-C.
Other names: c.893A>G, p.Asn298Ser (NM_001313965.2); c.290A>G, p.Asn97Ser (NM_001313966.2); c.1136A>G, p.Asn379Ser (NM_003234.4); short protein forms N379S, N97S, N298S.
Identifiers: ClinVar variation 1033985 (VCV001033985.10), dbSNP rs539830157, ClinGen allele CA2778062.
Genomic context (GRCh38, chr3:196,065,505, plus strand): 5'-GGTTCTACAAAGCCTTTAATAACTCCAAAGATGTTAAGAATTTTTATCTCTTTCAGCACA[T>C]TGCTCACAGTGAGCTTCACATTCTTGCTTTCTGAGGTTACCATCCTACATGTAGAGTCTG-3'
Protein context (NP_001121620.1, residues 369-389): ESKNVKLTVS[Asn379Ser]VLKEIKILNI

ClinVar aggregate classification (germline): Uncertain significance. Review status: criteria provided, multiple submitters, no conflicts (2 of 4 stars). 3 submissions from 3 submitters: Uncertain significance (3). Last evaluated 2025-10-23.

Conditions:
TFRC-related combined immunodeficiency. Also called: Immunodeficiency 46. Identifiers: Orphanet 476113, MedGen C5568133, MONDO:0014760, OMIM 616740.

Allele frequency attached by ClinVar (database versions not stated): gnomAD exomes 0.00007 and 0.00018; ExAC 0.00015; gnomAD 0.00017 and 0.00022; TOPMed 0.00028; 1000 Genomes Project 0.00080; 1000 Genomes Project 30x 0.00094.
gnomAD v4.1: 135 of 1,581,796 alleles (0.0085%); highest among the groups gnomAD compares: Admixed American, 0.091%; no homozygotes.

Submissions (3):

Labcorp Genetics (formerly Invitae), Labcorp
Classification: Uncertain significance. Last evaluated: 2025-10-23. Review status: criteria provided, single submitter. Criteria: Invitae Variant Classification Sherloc (09022015). Collection method: clinical testing. Allele origin: germline.
Comment: This sequence change replaces asparagine, which is neutral and polar, with serine, which is neutral and polar, at codon 379 of the TFRC protein (p.Asn379Ser). This variant is present in population databases (rs539830157, gnomAD 0.09%), and has an allele count higher than expected for a pathogenic variant. This variant has not been reported in the literature in individuals affected with TFRC-related conditions. ClinVar contains an entry for this variant (Variation ID: 1033985). Invitae Evidence Modeling of protein sequence and biophysical properties (such as structural, functional, and spatial information, amino acid conservation, physicochemical variation, residue mobility, and thermodynamic stability) indicates that this missense variant is expected to disrupt TFRC protein function with a positive predictive value of 80%. In summary, the available evidence is currently insufficient to determine the role of this variant in disease. Therefore, it has been classified as a Variant of Uncertain Significance.

Blueprint Genetics
Classification: Uncertain significance. Last evaluated: 2024-01-15. Review status: criteria provided, single submitter. Criteria: ACMG Guidelines, 2015. Collection method: clinical testing. Allele origin: germline.

Baylor Genetics
Classification: Uncertain significance for TFRC-related combined immunodeficiency. Last evaluated: 2018-05-25. Review status: criteria provided, single submitter. Criteria: ACMG Guidelines, 2015. Collection method: clinical testing. Allele origin: maternal. Affected: yes.
Comment: This variant was determined to be of uncertain significance according to ACMG Guidelines, 2015 [PMID:25741868].